The following is an entry in ClinVar:

NM_001164508.2(NEB):c.18070T>G (p.Tyr6024Asp)

Gene: NEB (nebulin; minus strand). Cytogenetic location: 2q23.3.
Variant type: single nucleotide variant.
Coding change: c.18070T>G on transcript NM_001164508.2 (MANE Select); coding-DNA position 18070, T replaced by G.
Protein change: p.Tyr6024Asp; replaces tyrosine 6024 with aspartic acid.
Molecular consequence: missense variant.
Genome position (GRCh38, 1-based): chr2:151,567,254, A>C on the plus strand (T>G on the coding strand, the complement: NEB is on the minus strand). VCF-style: chr2-151567254-A-C. GRCh37 (hg19) VCF-style: chr2-152423768-A-C.
Other names: c.18070T>G, p.Tyr6024Asp (NM_001164507.2, NM_001271208.2); c.12967T>G, p.Tyr4323Asp (NM_004543.5); short protein forms Y4323D, Y6024D.
Identifiers: ClinVar variation 2075033 (VCV002075033.1), dbSNP rs2552193723, ClinGen allele CA348803153.

ClinVar aggregate classification (germline): Uncertain significance (1 of 4 stars; one submission).

Conditions:
Nemaline myopathy 2 (NEM2). Also called: Nemaline myopathy 2, autosomal recessive. Identifiers: MedGen C1850569, MONDO:0009725, OMIM 256030.

Submission:

Labcorp Genetics (formerly Invitae), Labcorp
Classification: Uncertain significance for Nemaline myopathy 2. Last evaluated: 2021-05-28. Review status: criteria provided, single submitter. Criteria: Invitae Variant Classification Sherloc (09022015). Collection method: clinical testing. Allele origin: germline.
Comment: This sequence change replaces tyrosine with aspartic acid at codon 6024 of the NEB protein (p.Tyr6024Asp). The tyrosine residue is moderately conserved and there is a large physicochemical difference between tyrosine and aspartic acid. This variant is not present in population databases (ExAC no frequency). This variant has not been reported in the literature in individuals with NEB-related conditions. Algorithms developed to predict the effect of missense changes on protein structure and function are either unavailable or do not agree on the potential impact of this missense change (SIFT: "Deleterious"; PolyPhen-2: "Not Available"; Align-GVGD: "Class C0"). In summary, the available evidence is currently insufficient to determine the role of this variant in disease. Therefore, it has been classified as a Variant of Uncertain Significance.